The following is an entry in ClinVar:

ClinVar aggregate classification (germline): Pathogenic/Likely pathogenic. Review status: criteria provided, multiple submitters, no conflicts (2 of 4 stars). 14 submissions from 14 submitters: Pathogenic (9); Likely pathogenic (2). 3 of the submissions do not count toward it. Last evaluated 2025-11-19.

Conditions:
Canavan Disease, Familial Form. Identifiers: MedGen C0751663.
ASPA-related disorder. Also called: ASPA-related condition.
Inborn genetic diseases. Identifiers: MedGen C0950123, MeSH D030342.
Mild Canavan disease. Identifiers: Orphanet 314918, MedGen C4017127, MONDO:0017831.
Spongy degeneration of central nervous system. Also called: Von Bogaert-Bertrand disease; ACY2 DEFICIENCY; AMINOACYLASE 2 DEFICIENCY; ASP DEFICIENCY; ASPA DEFICIENCY; ASPARTOACYLASE DEFICIENCY. Identifiers: Orphanet 141, MedGen C0206307, MONDO:0010079, OMIM 271900.

Allele frequency attached by ClinVar (database versions not stated): gnomAD 0.00015 and 0.00013; gnomAD exomes 0.00022; TOPMed 0.00006; ExAC 0.00019.
gnomAD v4.1: 181 of 1,613,924 alleles (0.011%); highest among the groups gnomAD compares: Admixed American, 0.0067%; no homozygotes.

Submissions (14):

Natera, Inc.
Classification: Pathogenic for Canavan Disease. Last evaluated: 2025-11-19. Review status: criteria provided, single submitter. Criteria: Natera Variant Classification Schema (03/2026). Collection method: clinical testing. Allele origin: germline.
Comment: The c.212G>A variant in ASPA is a missense variant predicted to cause substitution of arginine to histidine at amino acid 71. This variant is rare in the general population with a frequency below the threshold expected for the associated phenotype(s). This variant has been observed in one or more individuals affected with the associated recessive disease, as either homozygous or compound heterozygous with a second variant (PMID: 18070137, 25107638, 16437572, 32975148, 36401557). This variant has been observed to segregate in affected family members (PMID: 16437572). Computational prediction algorithms indicate this variant is likely to affect gene or protein function. Given the available evidence, this variant is classified as Pathogenic.

Labcorp Genetics (formerly Invitae), Labcorp
Classification: Pathogenic for Spongy degeneration of central nervous system. Last evaluated: 2025-10-18. Review status: criteria provided, single submitter. Criteria: Invitae Variant Classification Sherloc (09022015). Collection method: clinical testing. Allele origin: germline.
Comment: This sequence change replaces arginine, which is basic and polar, with histidine, which is basic and polar, at codon 71 of the ASPA protein (p.Arg71His). This variant is present in population databases (rs104894553, gnomAD 0.2%). This missense change has been observed in individual(s) with Canavan disease (PMID: 16437572, 18070137, 25107638). In at least one individual the data is consistent with being in trans (on the opposite chromosome) from a pathogenic variant. It has also been observed to segregate with disease in related individuals. ClinVar contains an entry for this variant (Variation ID: 2616). Invitae Evidence Modeling of protein sequence and biophysical properties (such as structural, functional, and spatial information, amino acid conservation, physicochemical variation, residue mobility, and thermodynamic stability) indicates that this missense variant is expected to disrupt ASPA protein function with a positive predictive value of 95%. Experimental studies have shown that this missense change affects ASPA function (PMID: 16437572, 22850825). For these reasons, this variant has been classified as Pathogenic.

Women's Health and Genetics/Laboratory Corporation of America, LabCorp
Classification: Pathogenic for Canavan Disease, Familial Form. Last evaluated: 2025-02-24. Review status: criteria provided, single submitter. Criteria: LabCorp Variant Classification Summary - May 2015. Collection method: clinical testing. Allele origin: germline.
Comment: Variant summary: ASPA c.212G>A (p.Arg71His) results in a non-conservative amino acid change located in the Succinylglutamate desuccinylase/Aspartoacylase catalytic domain of the encoded protein sequence. Five of five in-silico tools predict a damaging effect of the variant on protein function. The variant allele was found at a frequency of 0.00022 in 251372 control chromosomes. This frequency is not significantly higher than estimated for a pathogenic variant in ASPA causing Canavan Disease (0.00022 vs 0.0079), allowing no conclusion about variant significance. c.212G>A has been reported in the literature in multiple bi-allelic individuals affected with Canavan Disease (example: Velinov_2007,Janson_2006). These data indicate that the variant is likely to be associated with disease. At least one publication reports experimental evidence evaluating an impact on protein function. The most pronounced variant effect results in <10% of normal activity (Janson_2006). The following publications have been ascertained in the context of this evaluation (PMID: 18070137, 16437572). ClinVar contains an entry for this variant (Variation ID: 2616). Based on the evidence outlined above, the variant was classified as pathogenic.

Laboratory of Genetics, Children's Clinical University Hospital Latvia
Classification: Pathogenic. Last evaluated: 2025-02-16. Review status: criteria provided, single submitter. Criteria: ACMG Guidelines, 2015. Collection method: clinical testing. Allele origin: germline. Affected: yes.

GeneDx
Classification: Pathogenic. Last evaluated: 2025-01-27. Review status: criteria provided, single submitter. Criteria: GeneDx Variant Classification Process June 2021. Collection method: clinical testing. Allele origin: germline. Affected: yes.
Comment: Published functional studies demonstrate loss of enzymatic activity (PMID: 16437572, 22850825); In silico analysis supports that this missense variant has a deleterious effect on protein structure/function; This variant is associated with the following publications: (PMID: 22850825, 17194761, 18070137, 16437572, 25668701, 34426522, 32975148, 25003821, 25107638, 23971085, 39628365, 38740822, 38718669)

Blueprint Genetics
Classification: Pathogenic for ASPA-related disorders. Last evaluated: 2024-10-28. Review status: criteria provided, single submitter. Criteria: ACMG Guidelines, 2015. Collection method: clinical testing. Allele origin: germline. Affected: yes. Observed: 5 variant alleles.

Fulgent Genetics
Classification: Likely pathogenic for Spongy degeneration of central nervous system. Last evaluated: 2024-01-31. Review status: criteria provided, single submitter. Criteria: ACMG Guidelines, 2015. Collection method: clinical testing. Allele origin: germline.

CeGaT Center for Human Genetics Tuebingen
Classification: Pathogenic. Last evaluated: 2022-06-01. Review status: criteria provided, single submitter. Criteria: CeGaT Center For Human Genetics Tuebingen Variant Classification Criteria Version 2. Collection method: clinical testing. Allele origin: germline. Affected: yes. Observed: 4 variant alleles.

Genome-Nilou Lab
Classification: Pathogenic for Spongy degeneration of central nervous system. Last evaluated: 2021-11-07. Review status: criteria provided, single submitter. Criteria: ACMG Guidelines, 2015. Collection method: clinical testing. Allele origin: germline. Affected: no.

Ambry Genetics
Classification: Pathogenic for Inborn genetic diseases. Last evaluated: 2017-07-01. Review status: criteria provided, single submitter. Criteria: Ambry Variant Classification Scheme 2023. Collection method: clinical testing. Allele origin: germline.
Comment: The p.R71H pathogenic mutation (also known as c.212G>A), located in coding exon 1 of the ASPA gene, results from a G to A substitution at nucleotide position 212. The arginine at codon 71 is replaced by histidine, an amino acid with highly similar properties. This alteration has been detected in trans with a pathogenic mutation (p.Y231*) in ASPA by our laboratory. This mutation was identified in conjunction with another known mutation p.A305E in two siblings who presented with mild form of Canavan disease; ASPA enzymatic activity was significantly low in fibroblasts from these siblings (Janson CG et al. Ann. Neurol., 2006 Feb;59:428-31). A homozygous p.R71H mutation was also reported in another patient with mild Canavan disease (Velinov M et al. Clin. Genet., 2008 Mar;73:288-9). Structural analysis revealed that the arginine residue likely stabilizes substrate binding and may guide NAA to the active site (Bitto E et al. Proc. Natl. Acad. Sci. U.S.A., 2007 Jan;104:456-61). In vitro studies showed that R71H mutant protein has reduced catalytic activity (Janson CG et al. Ann. Neurol., 2006 Feb;59:428-31; Zano S et al. J. Inherit. Metab. Dis., 2013 Jan;36:1-6). This amino acid position is highly conserved in available vertebrate species. In addition, this alteration is predicted to be deleterious by in silico analysis. Based on the supporting evidence, this alteration is interpreted as a disease-causing mutation.

Illumina Laboratory Services, Illumina
Classification: Likely pathogenic for Spongy degeneration of central nervous system. Last evaluated: 2017-04-27. Review status: criteria provided, single submitter. Criteria: ICSL Variant Classification Criteria 09 May 2019. Collection method: clinical testing. Allele origin: germline.
Comment: The ASPA c.212G>A (p.Arg71His) variant has been reported in three studies and is found in a total of three individuals with a mild form of Canavan disease including one individual in a homozygous state and two sisters in a compound heterozygous state (Janson et al. 2006; Velinov et al. 2007). Control data are unavailable for this variant, which is reported at a frequency of 0.00197 in the European (Finnish) population of the Exome Aggregation Consortium. Functional studies in individual fibroblasts showed only 0% to 5% of ASPA activity compared to wild type (Janson et al. 2006). Bitto et al. (2007) determined the crystal structure of APSA and showed that the Arg71 residue lies in the ASPA active site and proposed a role in substrate binding. Hershfield et al. (2007) used homology-based modeling to analyze the function of the p.Arg71His variant and also concluded that Arg71 was located in the active site and was involved in substrate binding. Expression studies in P. pastoris by Zano et al. (2013) showed that the variant enzyme had 11% of wild type activity and reduced stability. The Arg71 residue is highly conserved. Based on the evidence, the p.Arg71His variant is classified as likely pathogenic for Canavan disease. This variant was observed by ICSL as part of a predisposition screen in an ostensibly healthy population.

Counsyl
Classification: Likely pathogenic for Spongy degeneration of central nervous system. Last evaluated: 2018-08-29. Review status: no assertion criteria provided. Collection method: clinical testing. Allele origin: unknown. Not counted in ClinVar's aggregate classification.

OMIM
Classification: Pathogenic for CANAVAN DISEASE, MILD. Last evaluated: 2008-03-01. Review status: no assertion criteria provided. Collection method: literature only. Allele origin: germline. Not counted in ClinVar's aggregate classification.

GeneReviews
No classification provided. Condition: Spongy degeneration of central nervous system. Review status: no classification provided. Collection method: literature only. Allele origin: germline. Not counted in ClinVar's aggregate classification.

Literature cited by the submitters: PubMed 18070137 (cited by 7 submitters); PubMed 25107638 (cited by 3 submitters); PubMed 16437572 (cited by 7 submitters); PubMed 32975148 (cited by Natera, Inc.); PubMed 36401557 (cited by Natera, Inc.); PubMed 22850825 (cited by 4 submitters); PubMed 17194761 (cited by Ambry Genetics and Illumina Laboratory Services, Illumina); PubMed 17391648 (cited by Illumina Laboratory Services, Illumina); PubMed 23971085 (cited by Counsyl).

NM_000049.4(ASPA):c.212G>A (p.Arg71His)

Genes: ASPA (aspartoacylase; plus strand), SPATA22 (spermatogenesis associated 22; minus strand). Cytogenetic location: 17p13.2.
Variant type: single nucleotide variant.
Coding change: c.212G>A on transcript NM_000049.4 (MANE Select); coding-DNA position 212, G replaced by A.
Protein change: p.Arg71His; replaces arginine 71 with histidine.
Molecular consequence: missense variant. On other transcripts: intron variant (2).
Genome position (GRCh38, 1-based): chr17:3,476,371, G>A. VCF-style: chr17-3476371-G-A. GRCh37 (hg19) VCF-style: chr17-3379665-G-A.
Other names: c.212G>A, p.Arg71His (NM_001128085.1); c.-73-6973C>T (NM_001321336.2, NM_001321337.2); short protein forms R71H.
Identifiers: ClinVar variation 2616 (VCV000002616.103), dbSNP rs104894553, ClinGen allele CA115640.